The following is an entry in ClinVar:

ClinVar aggregate classification (germline): Uncertain significance. Review status: criteria provided, multiple submitters, no conflicts (2 of 4 stars). 3 submissions from 3 submitters: Uncertain significance (3). Last evaluated 2025-02-11.

Conditions:
Wilson disease (WND). Also called: Wilson's disease. Identifiers: Orphanet 905, MedGen C0019202, MONDO:0010200, OMIM 277900. Disease mechanism: loss of function.

Submissions (3):

GeneDx
Classification: Uncertain significance. Last evaluated: 2025-02-11. Review status: criteria provided, single submitter. Criteria: GeneDx Variant Classification Process June 2021. Collection method: clinical testing. Allele origin: germline. Affected: yes.
Comment: Identified as present in one individual with Wilson disease; details not provided (PMID: 18286826); Not observed at significant frequency in large population cohorts (gnomAD); In silico analysis supports that this missense variant has a deleterious effect on protein structure/function; This variant is associated with the following publications: (PMID: 22692182, 35220961, 30232804, 18286826)

Women's Health and Genetics/Laboratory Corporation of America, LabCorp
Classification: Uncertain significance. Last evaluated: 2024-07-25. Review status: criteria provided, single submitter. Criteria: LabCorp Variant Classification Summary - May 2015. Collection method: clinical testing. Allele origin: germline.
Comment: Variant summary: ATP7B c.3707T>C (p.Ile1236Thr) results in a non-conservative amino acid change located in the P-type ATPase, haloacid dehalogenase domain (IPR044492) of the encoded protein sequence. Four of five in-silico tools predict a damaging effect of the variant on protein function. The variant was absent in 249480 control chromosomes. c.3707T>C has been reported in the literature in the compound heterozygous state in individuals affected with Wilson Disease (e.g. Ferenci_2019, Zhang_2022, Todorov_2012). These data indicate that the variant may be associated with disease. To our knowledge, no experimental evidence demonstrating an impact on protein function has been reported. The following publications have been ascertained in the context of this evaluation (PMID: 30232804, 18286826, 35220961). ClinVar contains an entry for this variant (Variation ID: 3250441). Based on the evidence outlined above, the variant was classified as VUS-possibly pathogenic.

Neuberg Centre For Genomic Medicine, NCGM
Classification: Uncertain significance for Wilson disease. Review status: criteria provided, single submitter. Criteria: ACMG Guidelines, 2015. Collection method: clinical testing. Allele origin: germline. Inheritance: Autosomal recessive inheritance. Affected: yes.
Comment: The missense c.3707T>C (p.Ile1236Thr) variant in the ATP7B gene has not been reported previously as a pathogenic variant nor as a benign variant, to our knowledge. This variant is absent in the gnomAD Exomes. The amino acid Isoleucine at position 1236 is changed to a Threonine changing protein sequence and it might alter its composition and physico-chemical properties. The variant is predicted as damaging by SIFT. The amino acid change p.Ile1236Thr in ATP7B is predicted as conserved by GERP++ and PhyloP across 100 vertebrates. For these reasons, this variant has been classified as Uncertain Significance.

Literature cited by the submitters: PubMed 30232804 (cited by Women's Health and Genetics/Laboratory Corporation of America, LabCorp); PubMed 35220961 (cited by Women's Health and Genetics/Laboratory Corporation of America, LabCorp); PubMed 18286826 (cited by Women's Health and Genetics/Laboratory Corporation of America, LabCorp).

NM_000053.4(ATP7B):c.3707T>C (p.Ile1236Thr)

Gene: ATP7B (ATPase copper transporting beta; minus strand). Cytogenetic location: 13q14.3.
Variant type: single nucleotide variant.
Coding change: c.3707T>C on transcript NM_000053.4 (MANE Select); coding-DNA position 3707, T replaced by C.
Protein change: p.Ile1236Thr; replaces isoleucine 1236 with threonine.
Molecular consequence: missense variant. On other transcripts: intron variant (1).
Genome position (GRCh38, 1-based): chr13:51,937,672, A>G on the plus strand (T>C on the coding strand, the complement: ATP7B is on the minus strand). VCF-style: chr13-51937672-A-G. GRCh37 (hg19) VCF-style: chr13-52511808-A-G.
Other names: c.3086T>C, p.Ile1029Thr (NM_001005918.3); c.3374T>C, p.Ile1125Thr (NM_001243182.2); c.3473T>C, p.Ile1158Thr (NM_001330578.2, NM_001406527.1, NM_001406528.1); c.3455T>C, p.Ile1152Thr (NM_001330579.2, NM_001406531.1, NM_001406532.1); c.3707T>C, p.Ile1236Thr (NM_001406511.1, NM_001406512.1); c.3701T>C, p.Ile1234Thr (NM_001406513.1); c.3674T>C, p.Ile1225Thr (NM_001406514.1); c.3653T>C, p.Ile1218Thr (NM_001406515.1, NM_001406516.1); and 22 more; short protein forms I1009T, I1020T, I1029T, I1042T, I1072T, I1074T, I1087T, I1093T.
Identifiers: ClinVar variation 3250441 (VCV003250441.3), dbSNP rs2547569881.